The following is an entry in ClinVar:

ClinVar aggregate classification (germline): Uncertain significance (1 of 4 stars; one submission).

Conditions:
Epiphyseal dysplasia, multiple, 3 (EDM3). Also called: Epiphyseal dysplasia, multiple, 3, with or without myopathy; COL9A3-Related Multiple Epiphyseal Dysplasia. Identifiers: MedGen C1832998, MONDO:0010964, OMIM 600969.

Submission:

Victorian Clinical Genetics Services, Murdoch Childrens Research Institute
Classification: Uncertain significance for Epiphyseal dysplasia, multiple, 3. Last evaluated: 2020-05-25. Review status: criteria provided, single submitter. Criteria: ACMG Guidelines, 2015. Collection method: clinical testing. Allele origin: germline.
Comment: Based on the classification scheme VCGS_Germline_v1.1.1, this variant is classified as 3C-VUS. Following criteria are met: 0102 - Loss-of-function is a known mechanism of disease for this gene. (N) 0108 - This gene is known to be associated with both recessive and dominant disease (OMIM). (N) 0212 - Non-canonical splice variant without proven consequence on splicing (no functional evidence available) (intron 23 of 31). (P) 0251 - Variant is heterozygous. (N) 0301 - Variant is absent from gnomAD. (P) 0506 - Abnormal splicing is not predicted and nucleotide is poorly conserved. (B) 0705 - No comparable variants have previous evidence for pathogenicity. (N) 0807 - Variant has not previously been reported in a clinical context. (N) 0905 - No segregation evidence has been identified for this variant. (N) 1007 - No published functional evidence has been identified for this variant. (N) 1208 - Inheritance information for this variant is not currently available. (N) Legend: (P) - Pathogenic, (N) - Neutral, (B) - Benign

NM_001853.4(COL9A3):c.1215+6T>A

Gene: COL9A3 (collagen type IX alpha 3 chain; plus strand). Cytogenetic location: 20q13.33.
Variant type: single nucleotide variant.
Coding change: c.1215+6T>A on transcript NM_001853.4 (MANE Select); 6 bases into the intron after coding-DNA position 1215, T replaced by A.
Molecular consequence: intron variant.
Genome position (GRCh38, 1-based): chr20:62,830,419, T>A. VCF-style: chr20-62830419-T-A. GRCh37 (hg19) VCF-style: chr20-61461771-T-A.
Identifiers: ClinVar variation 3377418 (VCV003377418.1).
Genomic context (GRCh38, chr20:62,830,419, plus strand): 5'-GGGGGCCCTCGGCCCACAAGGCCCTCCCGGAGCCCCTGGTGTCCGAGGCTTCCAGGTGGG[T>A]GAGGTTGGGGCAAGGGCCTGGCATGGGGGGCGGCACACCCAGACGGGCCAGACCCGACAG-3'